The following is an entry in ClinVar:

ClinVar aggregate classification (germline): Uncertain significance (1 of 4 stars; one submission).

gnomAD v4.1: 1 of 1,613,876 alleles (0.000062%); highest among the groups gnomAD compares: South Asian, 0.0011%; no homozygotes.

Submission:

Labcorp Genetics (formerly Invitae), Labcorp
Classification: Uncertain significance. Last evaluated: 2025-01-27. Review status: criteria provided, single submitter. Criteria: Invitae Variant Classification Sherloc (09022015). Collection method: clinical testing. Allele origin: germline.
Comment: This sequence change replaces asparagine, which is neutral and polar, with lysine, which is basic and polar, at codon 247 of the CASQ1 protein (p.Asn247Lys). This variant is present in population databases (no rsID available, gnomAD 0.003%). This variant has not been reported in the literature in individuals affected with CASQ1-related conditions. Invitae Evidence Modeling of protein sequence and biophysical properties (such as structural, functional, and spatial information, amino acid conservation, physicochemical variation, residue mobility, and thermodynamic stability) indicates that this missense variant is not expected to disrupt CASQ1 protein function with a negative predictive value of 80%. In summary, the available evidence is currently insufficient to determine the role of this variant in disease. Therefore, it has been classified as a Variant of Uncertain Significance.

NM_001231.5(CASQ1):c.741T>G (p.Asn247Lys)

Gene: CASQ1 (calsequestrin 1; plus strand). Cytogenetic location: 1q23.2.
Variant type: single nucleotide variant.
Coding change: c.741T>G on transcript NM_001231.5 (MANE Select); coding-DNA position 741, T replaced by G.
Protein change: p.Asn247Lys; replaces asparagine 247 with lysine.
Molecular consequence: missense variant.
Genome position (GRCh38, 1-based): chr1:160,195,986, T>G. VCF-style: chr1-160195986-T-G. GRCh37 (hg19) VCF-style: chr1-160165776-T-G.
Other names: short protein forms N247K.
Identifiers: ClinVar variation 3685929 (VCV003685929.2).
Genomic context (GRCh38, chr1:160,195,986, plus strand): 5'-TGAGATTGATTTCTACGAGGCCTTCATGGAAGAGCCTGTGACCATCCCAGACAAGCCCAA[T>G]AGCGAAGAGGAGATTGTCAACTTCGTGGAGGAGCACAGGAGGTGGGGACCAAGGGCAACC-3'
Protein context (NP_001222.3, residues 237-257): EEPVTIPDKP[Asn247Lys]SEEEIVNFVE